The following is an entry in ClinVar:

NM_001159699.2(FHL1):c.831del (p.Asn277fs)

Gene: FHL1 (four and a half LIM domains 1; plus strand). Cytogenetic location: Xq26.3.
Variant type: Deletion.
Coding change: c.831del on transcript NM_001159699.2 (MANE Select); coding-DNA position 831, one base deleted (C; older notation c.831delC).
Protein change: p.Asn277fs; shifts the reading frame from asparagine 277.
Molecular consequence: frameshift variant. On other transcripts: 3 prime UTR variant (6), non-coding transcript variant (1).
Genome position (GRCh38, 1-based): chrX:136,209,965, C deleted. VCF-style (leftmost placement, unchanged base first): chrX-136209964-AC-A. GRCh37 (hg19) VCF-style: chrX-135292123-AC-A.
Other names: c.783del, p.Asn261fs (NM_001159700.2, NM_001159704.1, NM_001167819.1 and 4 more transcripts); c.870del, p.Asn290fs (NM_001159701.2); c.*11del (NM_001159702.3, NM_001159703.2, NM_001330659.2 and 3 more transcripts); short protein forms N290fs, N261fs, N277fs.
Identifiers: ClinVar variation 2126219 (VCV002126219.4), dbSNP rs2521336817, ClinGen allele CA2580101599.

ClinVar aggregate classification (germline): Pathogenic (1 of 4 stars; one submission).

Conditions:
X-linked myopathy with postural muscle atrophy. Also called: FHL1-Related Emery-Dreifuss Muscular Dystrophy, X-Linked. Identifiers: Orphanet 178461, MedGen C2678055, MONDO:0010401, OMIM 300696.

Submission:

Labcorp Genetics (formerly Invitae), Labcorp
Classification: Pathogenic for X-linked myopathy with postural muscle atrophy. Last evaluated: 2022-08-04. Review status: criteria provided, single submitter. Criteria: Invitae Variant Classification Sherloc (09022015). Collection method: clinical testing. Allele origin: germline.
Comment: This sequence change results in a frameshift in the FHL1 gene (p.Asn261Lysfs*29). While this is not anticipated to result in nonsense mediated decay, it is expected to disrupt the last 20 amino acid(s) of the FHL1 protein and extend the protein by 8 additional amino acid residues. This variant is not present in population databases (gnomAD no frequency). This variant has not been reported in the literature in individuals affected with FHL1-related conditions. This variant disrupts a region of the FHL1 protein in which other variant(s) (p.Cys276Tyr) have been determined to be pathogenic (PMID: 19716112). This suggests that this is a clinically significant region of the protein, and that variants that disrupt it are likely to be disease-causing. For these reasons, this variant has been classified as Pathogenic.

Literature cited by the submitters: PubMed 19716112.